The following is an entry in ClinVar:

NM_002351.5(SH2D1A):c.95G>A (p.Arg32Lys)

Gene: SH2D1A (SH2 domain containing 1A; plus strand). Cytogenetic location: Xq25.
Variant type: single nucleotide variant.
Coding change: c.95G>A on transcript NM_002351.5 (MANE Select); coding-DNA position 95, G replaced by A.
Protein change: p.Arg32Lys; replaces arginine 32 with lysine.
Molecular consequence: missense variant.
Genome position (GRCh38, 1-based): chrX:124,346,737, G>A. VCF-style: chrX-124346737-G-A. GRCh37 (hg19) VCF-style: chrX-123480587-G-A.
Other names: c.95G>A, p.Arg32Lys (NM_001114937.3); short protein forms R32K.
Identifiers: ClinVar variation 3643491 (VCV003643491.2).
Genomic context (GRCh38, chrX:124,346,737, plus strand): 5'-GCAGGGAAACCGGCGAGAAGCTCCTGCTTGCCACTGGGCTGGATGGCAGCTATTTGCTGA[G>A]GGACAGCGAGAGCGTGCCAGGCGTGTACTGCCTATGTGTGCTGTGAGTATGATACGGTGG-3'
Protein context (NP_002342.1, residues 22-42): ATGLDGSYLL[Arg32Lys]DSESVPGVYC

ClinVar aggregate classification (germline): Uncertain significance (1 of 4 stars; one submission).

Conditions:
X-linked lymphoproliferative disease due to SH2D1A deficiency (XLP1). Also called: SH2D1A-Related Lymphoproliferative Disease, X-Linked; DUNCAN DISEASE; IMMUNODEFICIENCY 5; IMMUNODEFICIENCY, X-LINKED PROGRESSIVE COMBINED VARIABLE; INFECTIOUS MONONUCLEOSIS, SEVERE, SUSCEPTIBILITY TO; PURTILO SYNDROME. Identifiers: Orphanet 2442, Orphanet 538931, MedGen C5399825, MONDO:0024551, OMIM 308240.

Submission:

Labcorp Genetics (formerly Invitae), Labcorp
Classification: Uncertain significance for X-linked lymphoproliferative disease due to SH2D1A deficiency. Last evaluated: 2024-07-29. Review status: criteria provided, single submitter. Criteria: Invitae Variant Classification Sherloc (09022015). Collection method: clinical testing. Allele origin: germline.
Comment: This sequence change replaces arginine, which is basic and polar, with lysine, which is basic and polar, at codon 32 of the SH2D1A protein (p.Arg32Lys). This variant is not present in population databases (gnomAD no frequency). This variant has not been reported in the literature in individuals affected with SH2D1A-related conditions. An algorithm developed to predict the effect of missense changes on protein structure and function (PolyPhen-2) suggests that this variant is likely to be disruptive. This variant disrupts the p.Arg32 amino acid residue in SH2D1A. Other variant(s) that disrupt this residue have been observed in individuals with SH2D1A-related conditions (PMID: 9771704, 11414741, 24923536, 26433589, 36254040), which suggests that this may be a clinically significant amino acid residue. In summary, the available evidence is currently insufficient to determine the role of this variant in disease. Therefore, it has been classified as a Variant of Uncertain Significance.

Literature cited by the submitters: PubMed 9771704; PubMed 11414741; PubMed 24923536; PubMed 26433589; PubMed 36254040.